The following is an entry in ClinVar:

ClinVar aggregate classification (germline): Uncertain significance (1 of 4 stars; one submission).

Submission:

Labcorp Genetics (formerly Invitae), Labcorp
Classification: Uncertain significance. Last evaluated: 2022-04-16. Review status: criteria provided, single submitter. Criteria: Invitae Variant Classification Sherloc (09022015). Collection method: clinical testing. Allele origin: germline.
Comment: In summary, the available evidence is currently insufficient to determine the role of this variant in disease. Therefore, it has been classified as a Variant of Uncertain Significance. Advanced modeling of protein sequence and biophysical properties (such as structural, functional, and spatial information, amino acid conservation, physicochemical variation, residue mobility, and thermodynamic stability) performed at Invitae indicates that this missense variant is not expected to disrupt COL4A1 protein function. This variant has not been reported in the literature in individuals affected with COL4A1-related conditions. This variant is not present in population databases (gnomAD no frequency). This sequence change replaces proline, which is neutral and non-polar, with threonine, which is neutral and polar, at codon 514 of the COL4A1 protein (p.Pro514Thr).

NM_001845.6(COL4A1):c.1540C>A (p.Pro514Thr)

Gene: COL4A1 (collagen type IV alpha 1 chain; minus strand). Cytogenetic location: 13q34.
Variant type: single nucleotide variant.
Coding change: c.1540C>A on transcript NM_001845.6 (MANE Select); coding-DNA position 1540, C replaced by A.
Protein change: p.Pro514Thr; replaces proline 514 with threonine.
Molecular consequence: missense variant.
Genome position (GRCh38, 1-based): chr13:110,187,326, G>T on the plus strand (C>A on the coding strand, the complement: COL4A1 is on the minus strand). VCF-style: chr13-110187326-G-T. GRCh37 (hg19) VCF-style: chr13-110839673-G-T.
Other names: short protein forms P514T.
Identifiers: ClinVar variation 2126695 (VCV002126695.4), dbSNP rs1490237511, ClinGen allele CA388723234.